The following is an entry in ClinVar:

NM_002439.5(MSH3):c.761A>G (p.Tyr254Cys)

Gene: MSH3 (mutS homolog 3; plus strand). Cytogenetic location: 5q14.1.
Variant type: single nucleotide variant.
Coding change: c.761A>G on transcript NM_002439.5 (MANE Select); coding-DNA position 761, A replaced by G.
Protein change: p.Tyr254Cys; replaces tyrosine 254 with cysteine.
Molecular consequence: missense variant.
Genome position (GRCh38, 1-based): chr5:80,670,278, A>G. VCF-style: chr5-80670278-A-G. GRCh37 (hg19) VCF-style: chr5-79966097-A-G.
Other names: c.761A>G (NM_002439.3); short protein forms Y254C.
Identifiers: ClinVar variation 1011009 (VCV001011009.11), dbSNP rs1580550385, ClinGen allele CA360266964.

ClinVar aggregate classification (germline): Conflicting classifications of pathogenicity. Review status: criteria provided, conflicting classifications (1 of 4 stars). 2 submissions from 2 submitters: Likely pathogenic (1); Uncertain significance (1). Last evaluated 2025-04-30.

Conditions:
Hereditary cancer-predisposing syndrome. Also called: Tumor predisposition; Hereditary neoplastic syndrome; Neoplastic Syndromes, Hereditary; Hereditary Cancer Syndrome. Identifiers: Orphanet 140162, MedGen C0027672, MeSH D009386, MONDO:0015356.

gnomAD v4.1: 6 of 1,614,166 alleles (0.00037%); highest among the groups gnomAD compares: Non-Finnish European, 0.00042%; no homozygotes.

Submissions (2):

Ambry Genetics
Classification: Likely pathogenic for Hereditary cancer-predisposing syndrome. Last evaluated: 2025-04-30. Review status: criteria provided, single submitter. Criteria: Ambry Variant Classification Scheme 2023. Collection method: clinical testing. Allele origin: germline.
Comment: The c.761A>G variant (also known as p.Y254C), located in coding exon 4 of the MSH3 gene, results from an A to G substitution at nucleotide position 761. The tyrosine at codon 254 is replaced by cysteine, an amino acid with highly dissimilar properties. This variant is considered to be rare based on population cohorts in the Genome Aggregation Database (gnomAD). This nucleotide position is highly conserved in available vertebrate species. In silico splice site analysis predicts that this alteration will result in the creation or strengthening of a novel splice donor site. RNA studies have demonstrated that this alteration results in abnormal splicing in the set of samples tested (Ambry internal data). Based on the majority of available evidence to date, this variant is likely to be pathogenic.

Labcorp Genetics (formerly Invitae), Labcorp
Classification: Uncertain significance. Last evaluated: 2024-02-02. Review status: criteria provided, single submitter. Criteria: Invitae Variant Classification Sherloc (09022015). Collection method: clinical testing. Allele origin: germline.
Comment: This sequence change replaces tyrosine, which is neutral and polar, with cysteine, which is neutral and slightly polar, at codon 254 of the MSH3 protein (p.Tyr254Cys). This variant is not present in population databases (gnomAD no frequency). This variant has not been reported in the literature in individuals affected with MSH3-related conditions. ClinVar contains an entry for this variant (Variation ID: 1011009). An algorithm developed to predict the effect of missense changes on protein structure and function (PolyPhen-2) suggests that this variant is likely to be disruptive. Algorithms developed to predict the effect of sequence changes on RNA splicing suggest that this variant may disrupt the consensus splice site. In summary, the available evidence is currently insufficient to determine the role of this variant in disease. Therefore, it has been classified as a Variant of Uncertain Significance.